The following is an entry in ClinVar:

NM_172364.5(CACNA2D4):c.343G>A (p.Glu115Lys)

Gene: CACNA2D4 (calcium voltage-gated channel auxiliary subunit alpha2delta 4; minus strand). Cytogenetic location: 12p13.33.
Variant type: single nucleotide variant.
Coding change: c.343G>A on transcript NM_172364.5 (MANE Select); coding-DNA position 343, G replaced by A.
Protein change: p.Glu115Lys; replaces glutamic acid 115 with lysine.
Molecular consequence: missense variant.
Genome position (GRCh38, 1-based): chr12:1,913,106, C>T on the plus strand (G>A on the coding strand, the complement: CACNA2D4 is on the minus strand). VCF-style: chr12-1913106-C-T. GRCh37 (hg19) VCF-style: chr12-2022272-C-T.
Other names: short protein forms E115K.
Identifiers: ClinVar variation 4690564 (VCV004690564.1).

ClinVar aggregate classification (germline): Uncertain significance (1 of 4 stars; one submission).

gnomAD v4.1: 5 of 1,613,634 alleles (0.00031%); highest among the groups gnomAD compares: African/African-American, 0.0013%; no homozygotes.

Submission:

Labcorp Genetics (formerly Invitae), Labcorp
Classification: Uncertain significance. Last evaluated: 2025-03-16. Review status: criteria provided, single submitter. Criteria: Invitae Variant Classification Sherloc (09022015). Collection method: clinical testing. Allele origin: germline.
Comment: This sequence change replaces glutamic acid, which is acidic and polar, with lysine, which is basic and polar, at codon 115 of the CACNA2D4 protein (p.Glu115Lys). This variant is not present in population databases (gnomAD no frequency). This variant has not been reported in the literature in individuals affected with CACNA2D4-related conditions. An algorithm developed to predict the effect of missense changes on protein structure and function outputs the following: PolyPhen-2: "Benign". The lysine amino acid residue is found in multiple mammalian species, which suggests that this missense change does not adversely affect protein function. In summary, the available evidence is currently insufficient to determine the role of this variant in disease. Therefore, it has been classified as a Variant of Uncertain Significance.